The following is an entry in ClinVar:

NM_000264.5(PTCH1):c.3120C>A (p.Phe1040Leu)

Gene: PTCH1 (patched 1; minus strand). Cytogenetic location: 9q22.32.
Variant type: single nucleotide variant.
Coding change: c.3120C>A on transcript NM_000264.5 (MANE Select); coding-DNA position 3120, C replaced by A.
Protein change: p.Phe1040Leu; replaces phenylalanine 1040 with leucine.
Molecular consequence: missense variant. On other transcripts: non-coding transcript variant (1).
Genome position (GRCh38, 1-based): chr9:95,458,061, G>T on the plus strand (C>A on the coding strand, the complement: PTCH1 is on the minus strand). VCF-style: chr9-95458061-G-T. GRCh37 (hg19) VCF-style: chr9-98220343-G-T.
Other names: c.2922C>A, p.Phe974Leu (NM_001083602.3); c.3117C>A, p.Phe1039Leu (NM_001083603.3); c.2667C>A, p.Phe889Leu (NM_001083604.3, NM_001083605.3, NM_001083606.3 and 1 more transcripts); c.2964C>A, p.Phe988Leu (NM_001354918.2); short protein forms F1039L, F1040L, F889L, F974L, F988L.
Identifiers: ClinVar variation 2575772 (VCV002575772.3), dbSNP rs2538067221, ClinGen allele CA374112347.
Genomic context (GRCh38, chr9:95,458,061, plus strand): 5'-TAATACACTCACAATGATCCCGGCCGTCCAGGGGTTCAGAAGGAAGACAGCGCACACGAG[G>T]AATGTGCAGGCCAACACCACGCTGATGAACAGCAGCAGCCAGTGGCGGAGGCCGATGTAC-3'
Protein context (NP_000255.2, residues 1030-1050): LFISVVLACT[Phe1040Leu]LVCAVFLLNP

ClinVar aggregate classification (germline): Uncertain significance. Review status: criteria provided, multiple submitters, no conflicts (2 of 4 stars). 2 submissions from 2 submitters: Uncertain significance (2). Last evaluated 2025-07-14.

Submissions (2):

Women's Health and Genetics/Laboratory Corporation of America, LabCorp
Classification: Uncertain significance. Last evaluated: 2025-07-14. Review status: criteria provided, single submitter. Criteria: LabCorp Variant Classification Summary - May 2015. Collection method: clinical testing. Allele origin: germline.
Comment: Variant summary: PTCH1 c.3120C>A (p.Phe1040Leu) results in a non-conservative amino acid change in the encoded protein sequence. Algorithms developed to predict the effect of missense changes on protein structure and function all suggest that this variant is likely to be disruptive. The variant was absent in 251334 control chromosomes. The available data on variant occurrences in the general population are insufficient to allow any conclusion about variant significance. To our knowledge, no occurrence of c.3120C>A in individuals affected with Nevoid Basal Cell Carcinoma Syndrome (Gorlin Syndrome) and no experimental evidence demonstrating its impact on protein function have been reported. ClinVar contains an entry for this variant (Variation ID: 2575772). Based on the evidence outlined above, the variant was classified as uncertain significance.

GeneDx
Classification: Uncertain significance. Last evaluated: 2023-02-08. Review status: criteria provided, single submitter. Criteria: GeneDx Variant Classification Process June 2021. Collection method: clinical testing. Allele origin: germline. Affected: yes.
Comment: Not observed at significant frequency in large population cohorts (gnomAD); In silico analysis supports that this missense variant has a deleterious effect on protein structure/function; Has not been previously published as pathogenic or benign to our knowledge.